The following is an entry in ClinVar:

ClinVar aggregate classification (germline): Conflicting classifications of pathogenicity. Review status: criteria provided, conflicting classifications (1 of 4 stars). 4 submissions from 4 submitters: Uncertain significance (1); Likely benign (3). Last evaluated 2024-06-30.

Conditions:
Tuberous sclerosis syndrome (TSC). Also called: Tuberous sclerosis; Tuberous Sclerosis Complex. Identifiers: Orphanet 805, MedGen C0041341, MONDO:0001734.
Hereditary cancer-predisposing syndrome. Also called: Hereditary Cancer Syndrome; Hereditary neoplastic syndrome; Tumor predisposition; Neoplastic Syndromes, Hereditary. Identifiers: Orphanet 140162, MedGen C0027672, MeSH D009386, MONDO:0015356.
Tuberous sclerosis 1 (TSC1). Identifiers: Orphanet 805, MedGen C1854465, MONDO:0008612, OMIM 191100.

Submissions (4):

Labcorp Genetics (formerly Invitae), Labcorp
Classification: Likely benign for Tuberous sclerosis 1. Last evaluated: 2024-06-30. Review status: criteria provided, single submitter. Criteria: Invitae Variant Classification Sherloc (09022015). Collection method: clinical testing. Allele origin: germline.

All of Us Research Program, National Institutes of Health
Classification: Uncertain significance for Tuberous sclerosis syndrome. Last evaluated: 2023-07-10. Review status: criteria provided, single submitter. Criteria: ACMG Guidelines, 2015. Collection method: clinical testing. Allele origin: germline. Inheritance: Autosomal dominant inheritance. Observed: 1 variant allele, 1 heterozygote.
Comment: This variant is located in the TSC1 protein. To our knowledge, functional studies have not been reported for this variant. This variant has not been reported in individuals affected with TSC1-related disorders in the literature. This variant has not been identified in the general population by the Genome Aggregation Database (gnomAD). The available evidence is insufficient to determine the role of this variant in disease conclusively. Therefore, this variant is classified as a Variant of Uncertain Significance.

This study involves interpretation of variants in research participants for the purpose of population health screening. Participant phenotype was not available at the time of variant classification. Additional details can be found in publication PMID: 35346344, PMCID: PMC8962531

Ambry Genetics
Classification: Likely benign for Hereditary cancer-predisposing syndrome. Last evaluated: 2021-06-30. Review status: criteria provided, single submitter. Criteria: Ambry Variant Classification Scheme 2023. Collection method: clinical testing. Allele origin: germline.

Blueprint Genetics
Classification: Likely benign. Last evaluated: 2020-09-14. Review status: criteria provided, single submitter. Criteria: ACMG Guidelines, 2015. Collection method: clinical testing. Allele origin: germline.

NM_000368.5(TSC1):c.771C>A (p.Ile257=)

Gene: TSC1 (TSC complex subunit 1; minus strand). Cytogenetic location: 9q34.13.
Variant type: single nucleotide variant.
Coding change: c.771C>A on transcript NM_000368.5 (MANE Select); coding-DNA position 771, C replaced by A.
Protein change: p.Ile257=; no amino-acid change (isoleucine 257 retained).
Molecular consequence: synonymous variant.
Genome position (GRCh38, 1-based): chr9:132,912,424, G>T on the plus strand (C>A on the coding strand, the complement: TSC1 is on the minus strand). VCF-style: chr9-132912424-G-T. GRCh37 (hg19) VCF-style: chr9-135787811-G-T.
Other names: c.771C>A, p.Ile257= (NM_001162426.2); c.618C>A, p.Ile206= (NM_001162427.2); c.408C>A, p.Ile136= (NM_001362177.2).
Identifiers: ClinVar variation 1018339 (VCV001018339.11), dbSNP rs1060504854, ClinGen allele CA467593604.
Genomic context (GRCh38, chr9:132,912,424, plus strand): 5'-CACAGAATAGCCATCTTCATATGAGGCTTCTGTGGGATCCAGAGAGATTTTGGCACACTC[G>T]ATCACAACATCATGAGTTTCTAATCTCTTCCACCTGTAAAATGCAATGAAAGTCAAGAAA-3'
Protein context (NP_000359.1, residues 247-267): WKRLETHDVV[Ile257=]ECAKISLDPT